The following is an entry in ClinVar:

NM_001113491.2(SEPTIN9):c.600C>T (p.Thr200=)

Gene: SEPTIN9 (septin 9; plus strand). Cytogenetic location: 17q25.3.
Variant type: single nucleotide variant.
Coding change: c.600C>T on transcript NM_001113491.2 (MANE Select); coding-DNA position 600, C replaced by T.
Protein change: p.Thr200=; no amino-acid change (threonine 200 retained).
Molecular consequence: synonymous variant.
Genome position (GRCh38, 1-based): chr17:77,402,582, C>T. VCF-style: chr17-77402582-C-T. GRCh37 (hg19) VCF-style: chr17-75398664-C-T.
Other names: c.108C>T, p.Thr36= (NM_001113492.2, NM_001113494.1); c.579C>T, p.Thr193= (NM_001113493.2); c.543C>T, p.Thr181= (NM_001293695.2); c.546C>T, p.Thr182= (NM_006640.5).
Identifiers: ClinVar variation 325547 (VCV000325547.40), dbSNP rs559745979, ClinGen allele CA8793249.

ClinVar aggregate classification (germline): Benign/Likely benign. Review status: criteria provided, multiple submitters, no conflicts (2 of 4 stars). 6 submissions from 6 submitters: Benign (2); Likely benign (4). Last evaluated 2026-01-12.

Conditions:
Amyotrophic neuralgia (HNA). Also called: AMYOTROPHY, HEREDITARY NEURALGIC, WITH PREDILECTION FOR BRACHIAL PLEXUS; Hereditary Brachial Plexus Neuropathy; Neuritis with Brachial Predilection; AMYOTROPHY, HEREDITARY NEURALGIC. Identifiers: Orphanet 2901, MedGen C1834304, MONDO:0008076, OMIM 162100.

Allele frequency attached by ClinVar (database versions not stated): gnomAD 0.00005 and 0.00006; TOPMed 0.00010; gnomAD exomes 0.00014 and 0.00015; ExAC 0.00018; 1000 Genomes Project 0.00020; 1000 Genomes Project 30x 0.00031.

Submissions (6):

Labcorp Genetics (formerly Invitae), Labcorp
Classification: Likely benign. Last evaluated: 2026-01-12. Review status: criteria provided, single submitter. Criteria: Invitae Variant Classification Sherloc (09022015). Collection method: clinical testing. Allele origin: germline.

Blueprint Genetics
Classification: Likely benign. Last evaluated: 2024-09-24. Review status: criteria provided, single submitter. Criteria: ACMG Guidelines, 2015. Collection method: clinical testing. Allele origin: germline.

CeGaT Center for Human Genetics Tuebingen
Classification: Likely benign. Last evaluated: 2023-04-01. Review status: criteria provided, single submitter. Criteria: CeGaT Center For Human Genetics Tuebingen Variant Classification Criteria Version 2. Collection method: clinical testing. Allele origin: germline. Affected: yes. Observed: 1 variant allele.
Comment: SEPTIN9: BP4, BP7

Genome-Nilou Lab
Classification: Benign for Amyotrophic neuralgia. Last evaluated: 2021-12-05. Review status: criteria provided, single submitter. Criteria: ACMG Guidelines, 2015. Collection method: clinical testing. Allele origin: germline. Affected: no.

Illumina Laboratory Services, Illumina
Classification: Benign for Amyotrophy, hereditary neuralgic. Last evaluated: 2018-01-13. Review status: criteria provided, single submitter. Criteria: ICSL Variant Classification Criteria 13 December 2019. Collection method: clinical testing. Allele origin: germline.
Comment: This variant was observed in the ICSL laboratory as part of a predisposition screen in an ostensibly healthy population. It had not been previously curated by ICSL or reported in the Human Gene Mutation Database (HGMD: prior to June 1st, 2018), and was therefore a candidate for classification through an automated scoring system. Utilizing variant allele frequency, disease prevalence and penetrance estimates, and inheritance mode, an automated score was calculated to assess if this variant is too frequent to cause the disease. Based on the score and internal cut-off values, a variant classified as benign is not then subjected to further curation. The score for this variant resulted in a classification of benign for this disease.

Breakthrough Genomics
Classification: Likely benign. Review status: criteria provided, single submitter. Criteria: ACMG Guidelines, 2015. Collection method: not provided. Allele origin: germline. Inheritance: Autosomal dominant inheritance. Affected: yes.